The following is an entry in ClinVar:

NM_153717.3(EVC):c.1462G>T (p.Glu488Ter)

Gene: EVC (EvC ciliary complex subunit 1; plus strand). Cytogenetic location: 4p16.2.
Variant type: single nucleotide variant.
Coding change: c.1462G>T on transcript NM_153717.3 (MANE Select); coding-DNA position 1462, G replaced by T.
Protein change: p.Glu488Ter; replaces glutamic acid 488 with a stop codon.
Molecular consequence: nonsense.
Genome position (GRCh38, 1-based): chr4:5,753,931, G>T. VCF-style: chr4-5753931-G-T. GRCh37 (hg19) VCF-style: chr4-5755658-G-T.
Other names: c.1462G>T, p.Glu488Ter (NM_001306090.2, NM_001306092.2); short protein forms E488*.
Identifiers: ClinVar variation 2952992 (VCV002952992.3), dbSNP rs146232611, ClinGen allele CA356156405.

ClinVar aggregate classification (germline): Pathogenic (1 of 4 stars; one submission).

Conditions:
Ellis-van Creveld syndrome (EVC). Also called: EVC-Related Ellis-van Creveld Syndrome; EVC2-Related Ellis-van Creveld Syndrome; MESOECTODERMAL DYSPLASIA; Chondroectodermal dysplasia. Identifiers: Orphanet 289, MedGen C0013903, MONDO:0009162, OMIM 225500.
Curry-Hall syndrome (WAD). Also called: WEYERS ACRODENTAL DYSOSTOSIS. Identifiers: Orphanet 952, MedGen C0457013, MONDO:0008673, OMIM 193530.

Submission:

Labcorp Genetics (formerly Invitae), Labcorp
Classification: Pathogenic for Curry-Hall syndrome; Ellis-van Creveld syndrome. Last evaluated: 2023-10-17. Review status: criteria provided, single submitter. Criteria: Invitae Variant Classification Sherloc (09022015). Collection method: clinical testing. Allele origin: germline.
Comment: This sequence change creates a premature translational stop signal (p.Glu488*) in the EVC gene. It is expected to result in an absent or disrupted protein product. Loss-of-function variants in EVC are known to be pathogenic (PMID: 23220543). This variant is not present in population databases (gnomAD no frequency). This variant has not been reported in the literature in individuals affected with EVC-related conditions. For these reasons, this variant has been classified as Pathogenic.

Literature cited by the submitters: PubMed 23220543.